The following is an entry in ClinVar:

ClinVar aggregate classification (germline): Likely pathogenic (1 of 4 stars; one submission).

Conditions:
Familial cancer of breast. Also called: BREAST CANCER, FAMILIAL; Hereditary breast cancer; hereditary breast carcinoma. Identifiers: Orphanet 227535, MedGen C0346153, MONDO:0016419, OMIM 114480. Disease mechanism: loss of function.

Submission:

Labcorp Genetics (formerly Invitae), Labcorp
Classification: Likely pathogenic for Familial cancer of breast. Last evaluated: 2023-08-24. Review status: criteria provided, single submitter. Criteria: Invitae Variant Classification Sherloc (09022015). Collection method: clinical testing. Allele origin: unknown.
Comment: This variant results in the deletion of exon 6 and part of exon 5 (c.2455_2587-955del) of the PALB2 gene. It is expected to disrupt RNA splicing. Variants that disrupt the donor or acceptor splice site typically lead to a loss of protein function (PMID: 16199547), and loss-of-function variants in PALB2 are known to be pathogenic (PMID: 17200668, 17200671, 17200672, 24136930, 25099575). This variant has not been reported in the literature in individuals affected with PALB2-related conditions. Experimental studies and prediction algorithms are not available or were not evaluated, and the functional significance of this variant is currently unknown. In summary, the currently available evidence indicates that the variant is pathogenic, but additional data are needed to prove that conclusively. Therefore, this variant has been classified as Likely Pathogenic.

Literature cited by the submitters: PubMed 16199547; PubMed 17200668; PubMed 17200671; PubMed 17200672; PubMed 24136930; PubMed 25099575.

NC_000016.9:g.(?_23638673)_(23641020_?)del

Gene: PALB2 (partner and localizer of BRCA2; minus strand). Cytogenetic location: 16p12.2.
Variant type: Deletion.
Identifiers: ClinVar variation 3243356 (VCV003243356.1).